The following is an entry in ClinVar:

ClinVar aggregate classification (germline): Uncertain significance (1 of 4 stars; one submission).

Conditions:
Spondyloepimetaphyseal dysplasia, Isidor-Toutain type. Identifiers: MedGen C5231478, MONDO:0032885, OMIM 618728.

Submission:

Suma Genomics
Classification: Uncertain significance for Spondyloepimetaphyseal dysplasia, Isidor-Toutain type. Review status: criteria provided, single submitter. Criteria: ACMG Guidelines, 2015. Collection method: clinical testing. Allele origin: de novo. Inheritance: Autosomal dominant inheritance. Affected: yes. Observed: 1 heterozygote.
Comment: A missense variant c.569G>C, p.(Arg190Pro) is observed in exon 6 of RPL13 in heterozygous state. This variant is not observed in the gnomAD database. ACMG classification: Variant of uncertain significance Criteria met: PM2_Supporting: Extremely low frequency in gnomAD population databases PM5: Different amino acid change as a known pathogenic variant PM6: De novo in a patient with phenotype consistency, no family history, and both maternity and paternity are assumed.

NM_000977.4(RPL13):c.569G>C (p.Arg190Pro)

Gene: RPL13 (ribosomal protein L13; plus strand). Cytogenetic location: 16q24.3.
Variant type: single nucleotide variant.
Coding change: c.569G>C on transcript NM_000977.4 (MANE Select); coding-DNA position 569, G replaced by C.
Protein change: p.Arg190Pro; replaces arginine 190 with proline.
Molecular consequence: missense variant.
Genome position (GRCh38, 1-based): chr16:89,562,975, G>C. VCF-style: chr16-89562975-G-C. GRCh37 (hg19) VCF-style: chr16-89629383-G-C.
Other names: c.428G>C, p.Arg143Pro (NM_001243131.1); c.569G>C, p.Arg190Pro (NM_033251.2); short protein forms R143P, R190P.
Identifiers: ClinVar variation 4075375 (VCV004075375.1).